The following is an entry in ClinVar:

ClinVar aggregate classification (germline): Uncertain significance (1 of 4 stars; one submission).

Allele frequency attached by ClinVar (database versions not stated): ExAC 0.00008; TOPMed below 0.00001; gnomAD 0.00001; gnomAD exomes 0.00003 and 0.00005.
gnomAD v4.1: 47 of 1,613,744 alleles (0.0029%); highest among the groups gnomAD compares: South Asian, 0.038%; no homozygotes.

Submission:

Labcorp Genetics (formerly Invitae), Labcorp
Classification: Uncertain significance. Last evaluated: 2022-08-16. Review status: criteria provided, single submitter. Criteria: Invitae Variant Classification Sherloc (09022015). Collection method: clinical testing. Allele origin: germline.
Comment: This sequence change replaces threonine, which is neutral and polar, with alanine, which is neutral and non-polar, at codon 921 of the TTC37 protein (p.Thr921Ala). This variant is present in population databases (rs762123943, gnomAD 0.03%). This variant has not been reported in the literature in individuals affected with TTC37-related conditions. ClinVar contains an entry for this variant (Variation ID: 1471432). Algorithms developed to predict the effect of missense changes on protein structure and function are either unavailable or do not agree on the potential impact of this missense change (SIFT: "Tolerated"; PolyPhen-2: "Probably Damaging"; Align-GVGD: "Class C0"). In summary, the available evidence is currently insufficient to determine the role of this variant in disease. Therefore, it has been classified as a Variant of Uncertain Significance.

NM_014639.4(SKIC3):c.2761A>G (p.Thr921Ala)

Gene: SKIC3 (SKI3 subunit of superkiller complex; minus strand). Cytogenetic location: 5q15.
Variant type: single nucleotide variant.
Coding change: c.2761A>G on transcript NM_014639.4 (MANE Select); coding-DNA position 2761, A replaced by G.
Protein change: p.Thr921Ala; replaces threonine 921 with alanine.
Molecular consequence: missense variant.
Genome position (GRCh38, 1-based): chr5:95,513,588, T>C on the plus strand (A>G on the coding strand, the complement: SKIC3 is on the minus strand). VCF-style: chr5-95513588-T-C. GRCh37 (hg19) VCF-style: chr5-94849292-T-C.
Other names: short protein forms T921A.
Identifiers: ClinVar variation 1471432 (VCV001471432.3), dbSNP rs762123943, ClinGen allele CA3346979.